The following is an entry in ClinVar:

NM_016938.5(EFEMP2):c.346G>A (p.Asp116Asn)

Gene: EFEMP2 (EGF-like fibulin extracellular matrix protein 2; minus strand). Cytogenetic location: 11q13.1.
Variant type: single nucleotide variant.
Coding change: c.346G>A on transcript NM_016938.5 (MANE Select); coding-DNA position 346, G replaced by A.
Protein change: p.Asp116Asn; replaces aspartic acid 116 with asparagine.
Molecular consequence: missense variant. On other transcripts: non-coding transcript variant (1).
Genome position (GRCh38, 1-based): chr11:65,871,178, C>T on the plus strand (G>A on the coding strand, the complement: EFEMP2 is on the minus strand). VCF-style: chr11-65871178-C-T. GRCh37 (hg19) VCF-style: chr11-65638649-C-T.
Other names: short protein forms D116N.
Identifiers: ClinVar variation 472821 (VCV000472821.5), dbSNP rs370759216, ClinGen allele CA6110709.

ClinVar aggregate classification (germline): Uncertain significance. Review status: criteria provided, multiple submitters, no conflicts (2 of 4 stars). 3 submissions from 3 submitters: Uncertain significance (3). Last evaluated 2024-08-28.

Conditions:
Cutis laxa, autosomal recessive, type 1B (ARCL1B). Also called: CUTIS LAXA, AUTOSOMAL RECESSIVE, TYPE IB; EFEMP2-Related Cutis Laxa. Identifiers: Orphanet 90349, MedGen C3280798, MONDO:0013754, OMIM 614437. Disease mechanism: loss of function.
Cardiovascular phenotype. Identifiers: MedGen CN230736.

Allele frequency attached by ClinVar (database versions not stated): gnomAD exomes 0.00001; gnomAD 0.00003 and 0.00004; ExAC 0.00004; TOPMed 0.00005; ESP Exome Variant Server 0.00015.
gnomAD v4.1: 20 of 1,614,064 alleles (0.0012%); highest among the groups gnomAD compares: African/African-American, 0.008%; no homozygotes.

Submissions (3):

Ambry Genetics
Classification: Uncertain significance for Cardiovascular phenotype. Last evaluated: 2024-08-28. Review status: criteria provided, single submitter. Criteria: Ambry Variant Classification Scheme 2023. Collection method: clinical testing. Allele origin: germline.
Comment: The p.D116N variant (also known as c.346G>A), located in coding exon 3 of the EFEMP2 gene, results from a G to A substitution at nucleotide position 346. The aspartic acid at codon 116 is replaced by asparagine, an amino acid with highly similar properties. This amino acid position is conserved. In addition, this alteration is predicted to be tolerated by in silico analysis. Based on the available evidence, the clinical significance of this variant remains unclear.

Women's Health and Genetics/Laboratory Corporation of America, LabCorp
Classification: Uncertain significance. Last evaluated: 2024-03-03. Review status: criteria provided, single submitter. Criteria: LabCorp Variant Classification Summary - May 2015. Collection method: clinical testing. Allele origin: germline.

Labcorp Genetics (formerly Invitae), Labcorp
Classification: Uncertain significance for Cutis laxa, autosomal recessive, type 1B. Last evaluated: 2022-01-28. Review status: criteria provided, single submitter. Criteria: Invitae Variant Classification Sherloc (09022015). Collection method: clinical testing. Allele origin: germline.
Comment: This sequence change replaces aspartic acid, which is acidic and polar, with asparagine, which is neutral and polar, at codon 116 of the EFEMP2 protein (p.Asp116Asn). This variant is present in population databases (rs370759216, gnomAD 0.007%). This variant has not been reported in the literature in individuals affected with EFEMP2-related conditions. ClinVar contains an entry for this variant (Variation ID: 472821). Algorithms developed to predict the effect of missense changes on protein structure and function are either unavailable or do not agree on the potential impact of this missense change (SIFT: "Deleterious"; PolyPhen-2: "Benign"; Align-GVGD: "Class C0"). In summary, the available evidence is currently insufficient to determine the role of this variant in disease. Therefore, it has been classified as a Variant of Uncertain Significance.